The following is an entry in ClinVar:

ClinVar aggregate classification (germline): Uncertain significance (1 of 4 stars; one submission).

Submission:

Women's Health and Genetics/Laboratory Corporation of America, LabCorp
Classification: Uncertain significance. Last evaluated: 2025-03-24. Review status: criteria provided, single submitter. Criteria: LabCorp Variant Classification Summary - May 2015. Collection method: clinical testing. Allele origin: germline.
Comment: Variant summary: NF1 c.1642-7A>T alters a conserved nucleotide located close to a canonical splice site and therefore could affect mRNA splicing, leading to a significantly altered protein sequence. Consensus agreement among computation tools predict no significant impact on normal splicing. However, these predictions have yet to be confirmed by functional studies. The variant was absent in 245748 control chromosomes. The available data on variant occurrences in the general population are insufficient to allow any conclusion about variant significance. To our knowledge, no occurrence of c.1642-7A>T in individuals affected with Neurofibromatosis Type 1 and no experimental evidence demonstrating its impact on protein function have been reported. No submitters have cited clinical-significance assessments for this variant to ClinVar. Based on the evidence outlined above, the variant was classified as uncertain significance.

NM_001042492.3(NF1):c.1642-7A>T

Gene: NF1 (neurofibromin 1; plus strand). Cytogenetic location: 17q11.2.
Variant type: single nucleotide variant.
Coding change: c.1642-7A>T on transcript NM_001042492.3 (MANE Select); 7 bases into the intron before coding-DNA position 1642, A replaced by T.
Molecular consequence: intron variant.
Genome position (GRCh38, 1-based): chr17:31,221,843, A>T. VCF-style: chr17-31221843-A-T. GRCh37 (hg19) VCF-style: chr17-29548861-A-T.
Other names: c.1642-7A>T (NM_000267.4, NM_001128147.3).
Identifiers: ClinVar variation 3896008 (VCV003896008.1).